The following is an entry in ClinVar:

ClinVar aggregate classification (germline): Conflicting classifications of pathogenicity. Review status: criteria provided, conflicting classifications (1 of 4 stars). 5 submissions from 5 submitters: Uncertain significance (4); Likely benign (1). Last evaluated 2025-11-10.

Conditions:
Hereditary nonpolyposis colorectal neoplasms. Identifiers: MedGen C0009405, MeSH D003123.
Hereditary cancer-predisposing syndrome. Also called: Hereditary Cancer Syndrome; Hereditary neoplastic syndrome; Neoplastic Syndromes, Hereditary; Tumor predisposition. Identifiers: Orphanet 140162, MedGen C0027672, MeSH D009386, MONDO:0015356.
Lynch syndrome. Identifiers: Orphanet 144, MedGen C4552100, MONDO:0005835. Disease mechanism: loss of function.

Allele frequency attached by ClinVar (database versions not stated): gnomAD exomes below 0.00001; TOPMed below 0.00001.

Submissions (5):

Labcorp Genetics (formerly Invitae), Labcorp
Classification: Likely benign for Hereditary nonpolyposis colorectal neoplasms. Last evaluated: 2025-11-10. Review status: criteria provided, single submitter. Criteria: Invitae Variant Classification Sherloc (09022015). Collection method: clinical testing. Allele origin: germline.

Women's Health and Genetics/Laboratory Corporation of America, LabCorp
Classification: Uncertain significance. Last evaluated: 2025-11-02. Review status: criteria provided, single submitter. Criteria: LabCorp Variant Classification Summary - May 2015. Collection method: clinical testing. Allele origin: germline.

Ambry Genetics
Classification: Uncertain significance for Hereditary cancer-predisposing syndrome. Last evaluated: 2025-07-04. Review status: criteria provided, single submitter. Criteria: Ambry Variant Classification Scheme 2023. Collection method: clinical testing. Allele origin: germline.
Comment: The p.R249T variant (also known as c.746G>C), located in coding exon 4 of the MSH6 gene, results from a G to C substitution at nucleotide position 746. The arginine at codon 249 is replaced by threonine, an amino acid with similar properties. This amino acid position is highly conserved in available vertebrate species. In addition, this alteration is predicted to be deleterious by in silico analysis. Since supporting evidence is limited at this time, the clinical significance of this alteration remains unclear.

All of Us Research Program, National Institutes of Health
Classification: Uncertain significance for Lynch syndrome. Last evaluated: 2023-10-02. Review status: criteria provided, single submitter. Criteria: ACMG Guidelines, 2015. Collection method: clinical testing. Allele origin: germline. Inheritance: Autosomal dominant inheritance. Observed: 2 variant alleles, 2 heterozygotes.
Comment: This missense variant replaces arginine with threonine at codon 249 of the MSH6 protein. Computational prediction is inconclusive regarding the impact of this variant on protein structure and function (internally defined REVEL score threshold 0.5 < inconclusive < 0.7, PMID: 27666373). Splice site prediction tools suggest that this variant may not impact RNA splicing. To our knowledge, functional studies have not been reported for this variant. This variant has not been reported in individuals affected with hereditary cancer in the literature. This variant has been identified in 1/251150 chromosomes in the general population by the Genome Aggregation Database (gnomAD). The available evidence is insufficient to determine the role of this variant in disease conclusively. Therefore, this variant is classified as a Variant of Uncertain Significance.

This study involves interpretation of variants in research participants for the purpose of population health screening. Participant phenotype was not available at the time of variant classification. Additional details can be found in publication PMID: 35346344, PMCID: PMC8962531

Color Diagnostics, LLC DBA Color Health
Classification: Uncertain significance for Hereditary cancer-predisposing syndrome. Last evaluated: 2023-09-06. Review status: criteria provided, single submitter. Criteria: ACMG Guidelines, 2015. Collection method: clinical testing. Allele origin: germline.
Comment: This missense variant replaces arginine with threonine at codon 249 of the MSH6 protein. Computational prediction is inconclusive regarding the impact of this variant on protein structure and function (internally defined REVEL score threshold 0.5 < inconclusive < 0.7, PMID: 27666373). To our knowledge, functional studies have not been reported for this variant. This variant has not been reported in individuals affected with MSH6-related disorders in the literature. This variant has been identified in 1/251150 chromosomes in the general population by the Genome Aggregation Database (gnomAD). The available evidence is insufficient to determine the role of this variant in disease conclusively. Therefore, this variant is classified as a Variant of Uncertain Significance.

NM_000179.3(MSH6):c.746G>C (p.Arg249Thr)

Gene: MSH6 (mutS homolog 6; plus strand). Cytogenetic location: 2p16.3.
Variant type: single nucleotide variant.
Coding change: c.746G>C on transcript NM_000179.3 (MANE Select); coding-DNA position 746, G replaced by C.
Protein change: p.Arg249Thr; replaces arginine 249 with threonine.
Molecular consequence: missense variant. On other transcripts: 5 prime UTR variant (2).
Genome position (GRCh38, 1-based): chr2:47,798,729, G>C. VCF-style: chr2-47798729-G-C. GRCh37 (hg19) VCF-style: chr2-48025868-G-C.
Other names: c.356G>C, p.Arg119Thr (NM_001281492.2); c.-161G>C (NM_001281493.2, NM_001281494.2); short protein forms R249T, R119T.
Identifiers: ClinVar variation 455344 (VCV000455344.23), dbSNP rs752135996, ClinGen allele CA346740105.